The following is an entry in ClinVar:

NM_002968.3(SALL1):c.2552T>C (p.Leu851Ser)

Gene: SALL1 (spalt like transcription factor 1; minus strand). Cytogenetic location: 16q12.1.
Variant type: single nucleotide variant.
Coding change: c.2552T>C on transcript NM_002968.3 (MANE Select); coding-DNA position 2552, T replaced by C.
Protein change: p.Leu851Ser; replaces leucine 851 with serine.
Molecular consequence: missense variant.
Genome position (GRCh38, 1-based): chr16:51,139,670, A>G on the plus strand (T>C on the coding strand, the complement: SALL1 is on the minus strand). VCF-style: chr16-51139670-A-G. GRCh37 (hg19) VCF-style: chr16-51173581-A-G.
Other names: c.2261T>C, p.Leu754Ser (NM_001127892.2); short protein forms L754S, L851S.
Identifiers: ClinVar variation 4773457 (VCV004773457.1).
Genomic context (GRCh38, chr16:51,139,670, plus strand): 5'-TTCATCTGATTTTCCAAAGCAGCGATGCTCGACATCTCGAGGGGCAAAGGCGAAGAGGAT[A>G]AGCTGTCTTGGGAGGCGTCTGCAGACTTAGGTGTATCAGGGATGCTGCCCTCAGGACAGT-3'
Protein context (NP_002959.2, residues 841-861): PKSADASQDS[Leu851Ser]SSSPLPLEMS

ClinVar aggregate classification (germline): Uncertain significance (1 of 4 stars; one submission).

Conditions:
Townes syndrome (TBS). Also called: Townes-Brocks syndrome. Identifiers: Orphanet 857, MedGen C0265246, MeSH C536974, MONDO:0007142.

gnomAD v4.1: 5 of 1,614,208 alleles (0.00031%); highest among the groups gnomAD compares: Non-Finnish European, 0.00034%; no homozygotes.

Submission:

Labcorp Genetics (formerly Invitae), Labcorp
Classification: Uncertain significance for Townes syndrome. Last evaluated: 2025-10-02. Review status: criteria provided, single submitter. Criteria: Invitae Variant Classification Sherloc (09022015). Collection method: clinical testing. Allele origin: germline.
Comment: This sequence change replaces leucine, which is neutral and non-polar, with serine, which is neutral and polar, at codon 851 of the SALL1 protein (p.Leu851Ser). This variant is not present in population databases (gnomAD no frequency). This variant has not been reported in the literature in individuals affected with SALL1-related conditions. Invitae Evidence Modeling of protein sequence and biophysical properties (such as structural, functional, and spatial information, amino acid conservation, physicochemical variation, residue mobility, and thermodynamic stability) indicates that this missense variant is not expected to disrupt SALL1 protein function with a negative predictive value of 80%. In summary, the available evidence is currently insufficient to determine the role of this variant in disease. Therefore, it has been classified as a Variant of Uncertain Significance.